The following is an entry in ClinVar:

NM_000540.3(RYR1):c.14003C>T (p.Pro4668Leu)

Gene: RYR1 (ryanodine receptor 1; plus strand). Cytogenetic location: 19q13.2.
Variant type: single nucleotide variant.
Coding change: c.14003C>T on transcript NM_000540.3 (MANE Select); coding-DNA position 14003, C replaced by T.
Protein change: p.Pro4668Leu; replaces proline 4668 with leucine.
Molecular consequence: missense variant.
Genome position (GRCh38, 1-based): chr19:38,573,181, C>T. VCF-style: chr19-38573181-C-T. GRCh37 (hg19) VCF-style: chr19-39063821-C-T.
Other names: c.13988C>T, p.Pro4663Leu (NM_001042723.2); short protein forms P4668L, P4663L.
Identifiers: ClinVar variation 3680360 (VCV003680360.2).
Genomic context (GRCh38, chr19:38,573,181, plus strand): 5'-ACTATGGTCCAGCCAAGGTGCCTGACGCCCACCTTTGGCCTCCTCCCACTATCCAGGTGC[C>T]CCTGGTAATCTTTAAGCGGGAGAAGGAGCTGGCCCGGAAGCTGGAGTTTGATGGCCTGTA-3'
Protein context (NP_000531.2, residues 4658-4678): CIIGYNCLKV[Pro4668Leu]LVIFKREKEL

ClinVar aggregate classification (germline): Uncertain significance (1 of 4 stars; one submission).

Conditions:
RYR1-related disorder. Also called: RYR1-related condition; RYR1-related disorders. Identifiers: MedGen CN239331.

Submission:

Labcorp Genetics (formerly Invitae), Labcorp
Classification: Uncertain significance for RYR1-related disorder. Last evaluated: 2024-03-01. Review status: criteria provided, single submitter. Criteria: Invitae Variant Classification Sherloc (09022015). Collection method: clinical testing. Allele origin: germline.
Comment: This sequence change replaces proline, which is neutral and non-polar, with leucine, which is neutral and non-polar, at codon 4668 of the RYR1 protein (p.Pro4668Leu). This variant is present in population databases (no rsID available, gnomAD 0.007%). This variant has not been reported in the literature in individuals affected with RYR1-related conditions. Advanced modeling of protein sequence and biophysical properties (such as structural, functional, and spatial information, amino acid conservation, physicochemical variation, residue mobility, and thermodynamic stability) performed at Invitae indicates that this missense variant is expected to disrupt RYR1 protein function with a positive predictive value of 95%. In summary, the available evidence is currently insufficient to determine the role of this variant in disease. Therefore, it has been classified as a Variant of Uncertain Significance.